The following is an entry in ClinVar:

ClinVar aggregate classification (germline): Uncertain significance (1 of 4 stars; one submission).

Submission:

Ambry Genetics
Classification: Uncertain significance. Last evaluated: 2022-09-16. Review status: criteria provided, single submitter. Criteria: Ambry Variant Classification Scheme 2023. Collection method: clinical testing. Allele origin: germline.
Comment: The p.I1239L variant (also known as c.3715A>T), located in coding exon 4 of the ALPK2 gene, results from an A to T substitution at nucleotide position 3715. The isoleucine at codon 1239 is replaced by leucine, an amino acid with highly similar properties. This amino acid position is conserved. In addition, this alteration is predicted to be tolerated by in silico analysis. Since supporting evidence is limited at this time, the clinical significance of this alteration remains unclear.

NM_052947.4(ALPK2):c.3715A>T (p.Ile1239Leu)

Genes: ALPK2 (alpha kinase 2; minus strand), LOC126862764 (BRD4-independent group 4 enhancer GRCh37_chr18:56202574-56203773; plus strand). Cytogenetic location: 18q21.31.
Variant type: single nucleotide variant.
Coding change: c.3715A>T on transcript NM_052947.4 (MANE Select); coding-DNA position 3715, A replaced by T.
Protein change: p.Ile1239Leu; replaces isoleucine 1239 with leucine.
Molecular consequence: missense variant.
Genome position (GRCh38, 1-based): chr18:58,536,472, T>A on the plus strand (A>T on the coding strand, the complement: ALPK2 is on the minus strand). VCF-style: chr18-58536472-T-A. GRCh37 (hg19) VCF-style: chr18-56203704-T-A.
Other names: short protein forms I1239L.
Identifiers: ClinVar variation 1734235 (VCV001734235.2), dbSNP rs748123189, ClinGen allele CA402565931.